The following is an entry in ClinVar:

ClinVar aggregate classification (germline): Benign/Likely benign. Review status: criteria provided, multiple submitters, no conflicts (2 of 4 stars). 8 submissions from 8 submitters: Benign (7); Likely benign (1). Last evaluated 2026-09-01.

Conditions:
Townes syndrome (TBS). Also called: Townes-Brocks syndrome. Identifiers: Orphanet 857, MedGen C0265246, MeSH C536974, MONDO:0007142.

Allele frequency attached by ClinVar (database versions not stated): 1000 Genomes Project 30x 0.00765; 1000 Genomes Project 0.00779; gnomAD 0.00781; TOPMed 0.00858; ESP Exome Variant Server 0.01000.
gnomAD v4.1: 19,646 of 1,613,810 alleles (1.2%); highest among the groups gnomAD compares: Non-Finnish European, 1.4%; 141 homozygotes.

Submissions (8):

CeGaT Center for Human Genetics Tuebingen
Classification: Benign. Last evaluated: 2026-09-01. Review status: criteria provided, single submitter. Criteria: CeGaT Center For Human Genetics Tuebingen Variant Classification Criteria Version 2. Collection method: clinical testing. Allele origin: germline. Affected: yes. Observed: 22 variant alleles.
Comment: SALL1: BP4, BP7, BS1, BS2

Labcorp Genetics (formerly Invitae), Labcorp
Classification: Benign for Townes syndrome. Last evaluated: 2026-02-01. Review status: criteria provided, single submitter. Criteria: Invitae Variant Classification Sherloc (09022015). Collection method: clinical testing. Allele origin: germline.

Blueprint Genetics
Classification: Likely benign. Last evaluated: 2024-11-26. Review status: criteria provided, single submitter. Criteria: ACMG Guidelines, 2015. Collection method: clinical testing. Allele origin: germline.

Mayo Clinic Laboratories, Mayo Clinic
Classification: Benign. Last evaluated: 2023-11-14. Review status: criteria provided, single submitter. Criteria: ACMG Guidelines, 2015. Collection method: clinical testing. Allele origin: germline. Observed: 2 variant alleles.
Comment: BS1, BS2, BP4, BP7

Athena Diagnostics
Classification: Benign. Last evaluated: 2019-06-05. Review status: criteria provided, single submitter. Criteria: Athena Diagnostics Criteria. Collection method: clinical testing. Allele origin: germline.

GeneDx
Classification: Benign. Last evaluated: 2015-03-03. Review status: criteria provided, single submitter. Criteria: GeneDx Variant Classification Process June 2021. Collection method: clinical testing. Allele origin: germline. Affected: yes.

Breakthrough Genomics
Classification: Benign. Review status: criteria provided, single submitter. Criteria: ACMG Guidelines, 2015. Collection method: not provided. Allele origin: germline. Inheritance: Autosomal dominant inheritance. Affected: yes.

PreventionGenetics, part of Exact Sciences
Classification: Benign. Review status: criteria provided, single submitter. Criteria: ACMG Guidelines, 2015. Collection method: clinical testing. Allele origin: germline.

Literature cited by the submitters: PubMed 36362878 (cited by Mayo Clinic Laboratories, Mayo Clinic).

NM_002968.3(SALL1):c.390G>A (p.Pro130=)

Gene: SALL1 (spalt like transcription factor 1; minus strand). Cytogenetic location: 16q12.1.
Variant type: single nucleotide variant.
Coding change: c.390G>A on transcript NM_002968.3 (MANE Select); coding-DNA position 390, G replaced by A.
Protein change: p.Pro130=; no amino-acid change (proline 130 retained).
Molecular consequence: synonymous variant.
Genome position (GRCh38, 1-based): chr16:51,141,832, C>T on the plus strand (G>A on the coding strand, the complement: SALL1 is on the minus strand). VCF-style: chr16-51141832-C-T. GRCh37 (hg19) VCF-style: chr16-51175743-C-T.
Other names: p.Pro130=; c.99G>A, p.Pro33= (NM_001127892.2).
Identifiers: ClinVar variation 258872 (VCV000258872.48), dbSNP rs75156807, ClinGen allele CA8053499.
Genomic context (GRCh38, chr16:51,141,832, plus strand): 5'-GCTTGGGGCGGTACTGCTGTGGCTGCCGCTGGAAGTGCCGCTGCCGCTTTTGTTAGCAAC[C>T]GGGGCCTCCACCTCCATGGACTCTTCCCTGTCAAGTCCGTTGTGTTCTGAAAGGTCGCTG-3'
Protein context (NP_002959.2, residues 120-140): DREESMEVEA[Pro130=]VANKSGSGTS